The following is an entry in ClinVar:

NM_000330.4(RS1):c.433G>C (p.Asp145His)

Genes: CDKL5 (cyclin dependent kinase like 5; plus strand), RS1 (retinoschisin 1; minus strand). Cytogenetic location: Xp22.13.
Variant type: single nucleotide variant.
Coding change: c.433G>C on transcript NM_000330.4 (MANE Select); coding-DNA position 433, G replaced by C.
Protein change: p.Asp145His; replaces aspartic acid 145 with histidine.
Molecular consequence: missense variant. On other transcripts: intron variant (2).
Genome position (GRCh38, 1-based): chrX:18,644,519, C>G on the plus strand (G>C on the coding strand, the complement: RS1 is on the minus strand). VCF-style: chrX-18644519-C-G. GRCh37 (hg19) VCF-style: chrX-18662639-C-G.
Other names: NM_003159.3:c.2714-1488C>G; c.2714-1488C>G (NM_003159.3, NM_001037343.2); short protein forms D145H.
Identifiers: ClinVar variation 4976899 (VCV004976899.1).
Genomic context (GRCh38, chrX:18,644,519, plus strand): 5'-AAATCCAGTTCAGGCGCTCATCGGTCCTGTACTGCACGCTGTACTTGGTCATCCACTCAT[C>G]GATGTCACAGCGCCCCTGGGTGAGGATCCCTGAAATCACTTTGATCTCCTTCAGATCTAT-3'
Protein context (NP_000321.1, residues 135-155): GILTQGRCDI[Asp145His]EWMTKYSVQY

ClinVar aggregate classification (germline): Likely pathogenic (3 of 4 stars; one submission).

Conditions:
Juvenile retinoschisis (RS1). Also called: X-Linked Juvenile Retinoschisis; X-linked retinoschisis. Identifiers: Orphanet 792, MedGen C3714753, MONDO:0010725, OMIM 312700.

Submission:

ClinGen X-linked Inherited Retinal Disease Variant Curation Expert Panel, ClinGen
Classification: Likely pathogenic for Juvenile retinoschisis. Last evaluated: 2026-09-26. Review status: reviewed by expert panel. Criteria: ClinGen X LinkedIRD ACMG Specifications RS1 V1.0.0. Collection method: curation. Allele origin: germline. Inheritance: X-linked inheritance.
Comment: The NM_000330.4(RS1):c.433G>C (p.Asp145His) variant is a missense variant encoding the substitution of Aspartic acid and Histidine at amino acid 145. This variant is absent from hemizygous individuals in gnomAD v4.1.0 (PM2_Supporting). The computational predictor REVEL gives a score of 0.916, which is within the ClinGen X-linked IRD VCEP range between 0.931 and 0.773 and predicts a damaging effect on RS1 function (PP3_moderate). The computational splicing predictor SpliceAI gives a delta score of 0.04 for acceptor loss, which is below the ClinGen X-linked IRD VCEP threshold of >0.2 and does not predict that the variant disrupts RS1 splicing. Hek 293, Murine RS1h-/Y retinal and kidney cells exogenously expressing the variant exhibit loss of RS1 secretion into the medium relative to the wild-type control (PMID: 30040949, PS3_Supporting). At least one proband harboring this variant exhibits a phenotype including the appearance of schisis and reduced visual acuity before age 13 years, and showing retinal detachment, which together are highly specific for X-linked retinoschisis (PMID: 7615541, PP4_Moderate). This variant has been reported in at least 1 proband meeting one of the PS4 requirements of a male diagnosed with XLRS, as well as a second apparently unrelated proband previously used for the PP4 code (PMIDs: 18369700, 32300273, 34624300, PS4_Supporting). In summary, this variant is classified as likely pathogenic for X-linked retinoschisis based on the ClinGen X-linked Inherited Retinal Disease Expert Panel Specifications to the ACMG/AMP Variant Interpretation Guidelines for RS1 Version 1.0.0: PM2_Supporting, PP3_Moderate, PS3_Supporting, PP4_Moderate, and PS4_Supporting.